The following is an entry in ClinVar:

ClinVar aggregate classification (germline): Uncertain significance (1 of 4 stars; one submission).

Allele frequency attached by ClinVar (database versions not stated): gnomAD 0.00001; gnomAD exomes 0.00001; TOPMed 0.00002.

Submission:

Women's Health and Genetics/Laboratory Corporation of America, LabCorp
Classification: Uncertain significance. Last evaluated: 2024-04-26. Review status: criteria provided, single submitter. Criteria: LabCorp Variant Classification Summary - May 2015. Collection method: clinical testing. Allele origin: germline.
Comment: Variant summary: ELN c.-3G>A alters a conserved nucleotide located in the untranslated mRNA region upstream of the initiation codon. The variant allele was found at a frequency of 1.2e-05 in 243714 control chromosomes. The available data on variant occurrences in the general population are insufficient to allow any conclusion about variant significance. To our knowledge, no occurrence of c.-3G>A in individuals affected with Supravalvar Aortic Stenosis and/or ELN related genotypes and no experimental evidence demonstrating its impact on protein function have been reported. No submitters have cited clinical-significance assessments for this variant to ClinVar. Based on the evidence outlined above, the variant was classified as uncertain significance.

NM_000501.4(ELN):c.-3G>A

Gene: ELN (elastin; plus strand). Cytogenetic location: 7q11.23.
Variant type: single nucleotide variant.
Coding change: c.-3G>A on transcript NM_000501.4 (MANE Select); 3 bases upstream of the start codon, G replaced by A.
Molecular consequence: 5 prime UTR variant.
Genome position (GRCh38, 1-based): chr7:74,028,185, G>A. VCF-style: chr7-74028185-G-A. GRCh37 (hg19) VCF-style: chr7-73442515-G-A.
Other names: c.-3G>A (NM_001081752.3, NM_001081753.3, NM_001081754.3 and 9 more transcripts).
Identifiers: ClinVar variation 3251672 (VCV003251672.1), dbSNP rs1362070751.